The following is an entry in ClinVar:

NM_000051.4(ATM):c.2839-10A>G

Gene: ATM (ATM serine/threonine kinase; plus strand). Cytogenetic location: 11q22.3.
Variant type: single nucleotide variant.
Coding change: c.2839-10A>G on transcript NM_000051.4 (MANE Select); 10 bases into the intron before coding-DNA position 2839, A replaced by G.
Molecular consequence: intron variant.
Genome position (GRCh38, 1-based): chr11:108,271,054, A>G. VCF-style: chr11-108271054-A-G. GRCh37 (hg19) VCF-style: chr11-108141781-A-G.
Other names: c.2839-10A>G (NM_001351834.2).
Identifiers: ClinVar variation 797539 (VCV000797539.12), dbSNP rs770032309, ClinGen allele CA6265131.

ClinVar aggregate classification (germline): Likely benign. Review status: criteria provided, multiple submitters, no conflicts (2 of 4 stars). 3 submissions from 3 submitters: Likely benign (2). 1 of the submissions does not count toward it. Last evaluated 2024-05-10.

Conditions:
Ataxia-telangiectasia syndrome (AT). Also called: Ataxia-telangiectasia, complementation group E; Ataxia-telangiectasia, complementation group D; Ataxia telangiectasia (A-T); LOUIS-BAR SYNDROME; ATAXIA-TELANGIECTASIA, COMPLEMENTATION GROUP A; ATAXIA-TELANGIECTASIA, FRESNO VARIANT. Identifiers: Orphanet 100, MedGen C0004135, MONDO:0008840, OMIM 208900.
Familial cancer of breast. Also called: BREAST CANCER, FAMILIAL; Hereditary breast cancer; hereditary breast carcinoma. Identifiers: Orphanet 227535, MedGen C0346153, MONDO:0016419, OMIM 114480. Disease mechanism: loss of function.

Allele frequency attached by ClinVar (database versions not stated): gnomAD exomes below 0.00001 and 0.00001; ExAC 0.00001.
gnomAD v4.1: 1 of 1,610,608 alleles (0.000062%); highest among the groups gnomAD compares: Admixed American, 0.0017%; no homozygotes.

Submissions (3):

Myriad Genetics, Inc.
Classification: Likely benign for Familial cancer of breast. Last evaluated: 2024-05-10. Review status: criteria provided, single submitter. Criteria: Myriad Autosomal Dominant, Autosomal Recessive and X-Linked Classification Criteria (2023). Collection method: clinical testing. Allele origin: unknown.
Comment: This variant is considered likely benign. This variant is intronic and is not expected to impact mRNA splicing.

Labcorp Genetics (formerly Invitae), Labcorp
Classification: Likely benign for Ataxia-telangiectasia syndrome. Last evaluated: 2023-06-15. Review status: criteria provided, single submitter. Criteria: Invitae Variant Classification Sherloc (09022015). Collection method: clinical testing. Allele origin: germline.

Natera, Inc.
Classification: Uncertain significance for Ataxia-telangiectasia. Last evaluated: 2020-04-17. Review status: no assertion criteria provided. Collection method: clinical testing. Allele origin: germline. Not counted in ClinVar's aggregate classification.